The following is an entry in ClinVar:

ClinVar aggregate classification (germline): Benign. Review status: criteria provided, multiple submitters, no conflicts (2 of 4 stars). 4 submissions from 4 submitters: Benign (3). 1 of the submissions does not count toward it. Last evaluated 2024-11-27.

Conditions:
PKD1L1-related disorder. Also called: PKD1L1-related condition.

Allele frequency attached by ClinVar (database versions not stated): gnomAD exomes 0.47502 and 0.54236; 1000 Genomes Project 0.49641; 1000 Genomes Project 30x 0.49984; ESP Exome Variant Server 0.50930; TOPMed 0.50958; gnomAD 0.51685 and 0.52098; ExAC 0.55291.
gnomAD v4.1: 719,627 of 1,503,066 alleles (48%); highest among the groups gnomAD compares: Admixed American, 50%; 149,984 homozygotes.

Submissions (4):

Blueprint Genetics
Classification: Benign. Last evaluated: 2024-11-27. Review status: criteria provided, single submitter. Criteria: ACMG Guidelines, 2015. Collection method: clinical testing. Allele origin: germline.

GeneDx
Classification: Benign. Last evaluated: 2021-06-09. Review status: criteria provided, single submitter. Criteria: GeneDx Variant Classification Process June 2021. Collection method: clinical testing. Allele origin: germline. Affected: yes.

Breakthrough Genomics
Classification: Benign. Review status: criteria provided, single submitter. Criteria: ACMG Guidelines, 2015. Collection method: not provided. Allele origin: germline. Inheritance: Autosomal recessive inheritance. Affected: yes.

PreventionGenetics, part of Exact Sciences
Classification: Benign for PKD1L1-related condition. Last evaluated: 2021-11-27. Review status: no assertion criteria provided. Collection method: clinical testing. Allele origin: germline. Not counted in ClinVar's aggregate classification.
Comment: This variant is classified as benign based on ACMG/AMP sequence variant interpretation guidelines (Richards et al. 2015 PMID: 25741868, with internal and published modifications).

NM_138295.5(PKD1L1):c.161-8T>C

Gene: PKD1L1 (polycystin 1 like 1, transient receptor potential channel interacting; minus strand). Cytogenetic location: 7p12.3.
Variant type: single nucleotide variant.
Coding change: c.161-8T>C on transcript NM_138295.5 (MANE Select); 8 bases into the intron before coding-DNA position 161, T replaced by C.
Molecular consequence: intron variant.
Genome position (GRCh38, 1-based): chr7:47,940,325, A>G on the plus strand (T>C on the coding strand, the complement: PKD1L1 is on the minus strand). VCF-style: chr7-47940325-A-G. GRCh37 (hg19) VCF-style: chr7-47979922-A-G.
Other names: c.161-8T>C (NM_138295.3).
Identifiers: ClinVar variation 1291122 (VCV001291122.6), dbSNP rs2708913, ClinGen allele CA4254451.
Genomic context (GRCh38, chr7:47,940,325, plus strand): 5'-AGGACAGCCACACTTCCCATCACTCATAAGAAGCACATGATTAGCATAGACCTCTAGAGA[A>G]AAAAAAAAAAGCAAACATTCTGAAGACTGCAATGTGCTGGGAAGGTGAGAACATAAAGCT-3'